The following is an entry in ClinVar:

ClinVar aggregate classification (germline): Uncertain significance (1 of 4 stars; one submission).

Submission:

Ambry Genetics
Classification: Uncertain significance. Last evaluated: 2023-06-25. Review status: criteria provided, single submitter. Criteria: Ambry Variant Classification Scheme 2023. Collection method: clinical testing. Allele origin: germline.
Comment: The p.K161N variant (also known as c.483A>C), located in coding exon 5 of the KIF1B gene, results from an A to C substitution at nucleotide position 483. The lysine at codon 161 is replaced by asparagine, an amino acid with similar properties. This amino acid position is conserved. In addition, this alteration is predicted to be tolerated by in silico analysis. Since supporting evidence is limited at this time, the clinical significance of this alteration remains unclear.

NM_001365951.3(KIF1B):c.483A>C (p.Lys161Asn)

Gene: KIF1B (kinesin family member 1B; plus strand). Cytogenetic location: 1p36.22.
Variant type: single nucleotide variant.
Coding change: c.483A>C on transcript NM_001365951.3 (MANE Select); coding-DNA position 483, A replaced by C.
Protein change: p.Lys161Asn; replaces lysine 161 with asparagine.
Molecular consequence: missense variant.
Genome position (GRCh38, 1-based): chr1:10,267,433, A>C. VCF-style: chr1-10267433-A-C. GRCh37 (hg19) VCF-style: chr1-10327491-A-C.
Other names: c.483A>C, p.Lys161Asn (NM_001365952.1, NM_001365953.1, NM_015074.3 and 1 more transcripts); short protein forms K161N.
Identifiers: ClinVar variation 2625693 (VCV002625693.2), dbSNP rs2521041767, ClinGen allele CA338329181.
Genomic context (GRCh38, chr1:10,267,433, plus strand): 5'-TTCATAGGTGAGCTACATGGAAATTTACTGTGAAAGAGTACGAGATTTGCTGAATCCAAA[A>C]AACAAGGGTAATTTGCGTGTGCGTGAACACCCACTTCTTGGACCCTATGTGGAGGATCTG-3'
Protein context (NP_001352880.1, residues 151-171): CERVRDLLNP[Lys161Asn]NKGNLRVREH